The following is an entry in ClinVar:

ClinVar aggregate classification (germline): Uncertain significance (1 of 4 stars; one submission).

Submission:

Labcorp Genetics (formerly Invitae), Labcorp
Classification: Uncertain significance. Last evaluated: 2025-10-19. Review status: criteria provided, single submitter. Criteria: Invitae Variant Classification Sherloc (09022015). Collection method: clinical testing. Allele origin: germline.
Comment: This sequence change replaces proline, which is neutral and non-polar, with glutamine, which is neutral and polar, at codon 428 of the LAMA1 protein (p.Pro428Gln). This variant is not present in population databases (gnomAD no frequency). This variant has not been reported in the literature in individuals affected with LAMA1-related conditions. An algorithm developed to predict the effect of missense changes on protein structure and function outputs the following: PolyPhen-2: "Benign". The glutamine amino acid residue is found in multiple mammalian species, which suggests that this missense change does not adversely affect protein function. In summary, the available evidence is currently insufficient to determine the role of this variant in disease. Therefore, it has been classified as a Variant of Uncertain Significance.

NM_005559.4(LAMA1):c.1283C>A (p.Pro428Gln)

Gene: LAMA1 (laminin subunit alpha 1; minus strand). Cytogenetic location: 18p11.31.
Variant type: single nucleotide variant.
Coding change: c.1283C>A on transcript NM_005559.4 (MANE Select); coding-DNA position 1283, C replaced by A.
Protein change: p.Pro428Gln; replaces proline 428 with glutamine.
Molecular consequence: missense variant.
Genome position (GRCh38, 1-based): chr18:7,040,215, G>T on the plus strand (C>A on the coding strand, the complement: LAMA1 is on the minus strand). VCF-style: chr18-7040215-G-T. GRCh37 (hg19) VCF-style: chr18-7040214-G-T.
Other names: short protein forms P428Q.
Identifiers: ClinVar variation 4762436 (VCV004762436.1).